The following is an entry in ClinVar:

ClinVar aggregate classification (germline): Uncertain significance (1 of 4 stars; one submission).

Allele frequency attached by ClinVar (database versions not stated): TOPMed below 0.00001; gnomAD 0.00001; gnomAD exomes 0.00001 and 0.00002.
gnomAD v4.1: 33 of 1,613,598 alleles (0.002%); highest among the groups gnomAD compares: Non-Finnish European, 0.0026%; no homozygotes.

Submission:

Labcorp Genetics (formerly Invitae), Labcorp
Classification: Uncertain significance. Last evaluated: 2024-09-04. Review status: criteria provided, single submitter. Criteria: Invitae Variant Classification Sherloc (09022015). Collection method: clinical testing. Allele origin: germline.
Comment: This sequence change replaces glutamine, which is neutral and polar, with histidine, which is basic and polar, at codon 1044 of the COL7A1 protein (p.Gln1044His). This variant is present in population databases (no rsID available, gnomAD 0.002%). This variant has not been reported in the literature in individuals affected with COL7A1-related conditions. ClinVar contains an entry for this variant (Variation ID: 1511518). Invitae Evidence Modeling of protein sequence and biophysical properties (such as structural, functional, and spatial information, amino acid conservation, physicochemical variation, residue mobility, and thermodynamic stability) indicates that this missense variant is not expected to disrupt COL7A1 protein function with a negative predictive value of 95%. In summary, the available evidence is currently insufficient to determine the role of this variant in disease. Therefore, it has been classified as a Variant of Uncertain Significance.

NM_000094.4(COL7A1):c.3132G>C (p.Gln1044His)

Gene: COL7A1 (collagen type VII alpha 1 chain; minus strand). Cytogenetic location: 3p21.31.
Variant type: single nucleotide variant.
Coding change: c.3132G>C on transcript NM_000094.4 (MANE Select); coding-DNA position 3132, G replaced by C.
Protein change: p.Gln1044His; replaces glutamine 1044 with histidine.
Molecular consequence: missense variant.
Genome position (GRCh38, 1-based): chr3:48,587,197, C>G on the plus strand (G>C on the coding strand, the complement: COL7A1 is on the minus strand). VCF-style: chr3-48587197-C-G. GRCh37 (hg19) VCF-style: chr3-48624630-C-G.
Other names: short protein forms Q1044H.
Identifiers: ClinVar variation 1511518 (VCV001511518.5), dbSNP rs1486508439, ClinGen allele CA352711704.